The following is an entry in ClinVar:

ClinVar aggregate classification (germline): Likely benign. Review status: criteria provided, multiple submitters, no conflicts (2 of 4 stars). 5 submissions from 5 submitters: Likely benign (3). 2 of the submissions do not count toward it. Last evaluated 2026-01-17.

Conditions:
Polyglandular autoimmune syndrome, type 1 (APS1). Also called: PGA I; Autoimmune polyendocrine syndrome type 1; AUTOIMMUNE POLYENDOCRINE SYNDROME, TYPE I, WITH OR WITHOUT REVERSIBLE METAPHYSEAL DYSPLASIA; HYPOADRENOCORTICISM WITH HYPOPARATHYROIDISM AND SUPERFICIAL MONILIASIS; Autoimmune polyendocrinopathy syndrome, type I; Autoimmune polyendocrinopathy syndrome , type I, with or without reversible metaphyseal dysplasia. Identifiers: Orphanet 3453, MedGen C0085859, MONDO:0009411, OMIM 240300.

Allele frequency attached by ClinVar (database versions not stated): ExAC 0.00011; ESP Exome Variant Server 0.00015; gnomAD exomes 0.00018 and 0.00023; 1000 Genomes Project 0.00020; TOPMed 0.00020; gnomAD 0.00023 and 0.00024; 1000 Genomes Project 30x 0.00031.
gnomAD v4.1: 367 of 1,596,880 alleles (0.023%); highest among the groups gnomAD compares: Non-Finnish European, 0.029%; no homozygotes.

Submissions (5):

Labcorp Genetics (formerly Invitae), Labcorp
Classification: Likely benign for Polyglandular autoimmune syndrome, type 1. Last evaluated: 2026-01-17. Review status: criteria provided, single submitter. Criteria: Invitae Variant Classification Sherloc (09022015). Collection method: clinical testing. Allele origin: germline.

Blueprint Genetics
Classification: Likely benign. Last evaluated: 2024-11-28. Review status: criteria provided, single submitter. Criteria: ACMG Guidelines, 2015. Collection method: clinical testing. Allele origin: germline.

CeGaT Center for Human Genetics Tuebingen
Classification: Likely benign. Last evaluated: 2023-05-01. Review status: criteria provided, single submitter. Criteria: CeGaT Center For Human Genetics Tuebingen Variant Classification Criteria Version 2. Collection method: clinical testing. Allele origin: germline. Affected: yes. Observed: 3 variant alleles.
Comment: AIRE: BP4, BP7

Clinical Genetics DNA and cytogenetics Diagnostics Lab, Erasmus MC, Erasmus Medical Center
Classification: Likely benign. Review status: no assertion criteria provided. Collection method: clinical testing. Allele origin: germline. Affected: yes. Study: VKGL Data-share Consensus. Not counted in ClinVar's aggregate classification.

Genome Diagnostics Laboratory, University Medical Center Utrecht
Classification: Likely benign. Review status: no assertion criteria provided. Collection method: clinical testing. Allele origin: germline. Affected: yes. Study: VKGL Data-share Consensus. Not counted in ClinVar's aggregate classification.

NM_000383.4(AIRE):c.1344C>T (p.His448=)

Gene: AIRE (autoimmune regulator; plus strand). Cytogenetic location: 21q22.3.
Variant type: single nucleotide variant.
Coding change: c.1344C>T on transcript NM_000383.4 (MANE Select); coding-DNA position 1344, C replaced by T.
Protein change: p.His448=; no amino-acid change (histidine 448 retained).
Molecular consequence: synonymous variant.
Genome position (GRCh38, 1-based): chr21:44,293,854, C>T. VCF-style: chr21-44293854-C-T. GRCh37 (hg19) VCF-style: chr21-45713737-C-T.
Identifiers: ClinVar variation 458614 (VCV000458614.38), dbSNP rs201131119, ClinGen allele CA10052068.